The following is an entry in ClinVar:

NM_001127178.3(PIGG):c.129G>T (p.Glu43Asp)

Gene: PIGG (phosphatidylinositol glycan anchor biosynthesis class G (EMM blood group); plus strand). Cytogenetic location: 4p16.3.
Variant type: single nucleotide variant.
Coding change: c.129G>T on transcript NM_001127178.3 (MANE Select); coding-DNA position 129, G replaced by T.
Protein change: p.Glu43Asp; replaces glutamic acid 43 with aspartic acid.
Molecular consequence: missense variant. On other transcripts: 5 prime UTR variant (9), non-coding transcript variant (10), intron variant (1).
Genome position (GRCh38, 1-based): chr4:499,464, G>T. VCF-style: chr4-499464-G-T. GRCh37 (hg19) VCF-style: chr4-493253-G-T.
Other names: c.129G>T, p.Glu43Asp (NM_001289052.2, NM_001345989.2, NM_017733.5); c.-697G>T (NM_001289053.2); c.-308G>T (NM_001289055.2); c.-375G>T (NM_001289057.2, NM_001345986.2, NM_001345987.2); c.-995G>T (NM_001345988.2); c.-1497G>T (NM_001345990.2); c.-1595G>T (NM_001345991.2); c.-1320G>T (NM_001345994.2); and 2 more; short protein forms E43D.
Identifiers: ClinVar variation 1496399 (VCV001496399.6), dbSNP rs782724528, ClinGen allele CA2792895.
Genomic context (GRCh38, chr4:499,464, plus strand): 5'-CCTTCGGGGATTCTTCCCGGCTCCCGTTCGTTCCTCTGCCAGAGCGGAACACGGAGCGGA[G>T]CCCCCAGCGCCCGAACCCTCGGCTGGTACGGACCCCTCCCCGGCGTCTCCGCTCCCCTGA-3'
Protein context (NP_001120650.1, residues 33-53): RSSARAEHGA[Glu43Asp]PPAPEPSAGA

ClinVar aggregate classification (germline): Uncertain significance. Review status: criteria provided, multiple submitters, no conflicts (2 of 4 stars). 2 submissions from 2 submitters: Uncertain significance (2). Last evaluated 2024-11-12.

Conditions:
Intellectual disability, autosomal recessive 53 (NEDHSCA). Also called: NEURODEVELOPMENTAL DISORDER WITH OR WITHOUT HYPOTONIA, SEIZURES, AND CEREBELLAR ATROPHY; GLYCOSYLPHOSPHATIDYLINOSITOL BIOSYNTHESIS DEFECT 13; Mental retardation, autosomal recessive 53. Identifiers: Orphanet 488635, MedGen C4310794, MONDO:0014832, OMIM 616917.

Allele frequency attached by ClinVar (database versions not stated): gnomAD exomes below 0.00001 and 0.00004; ExAC 0.00001; gnomAD 0.00003 and 0.00004; TOPMed 0.00003.
gnomAD v4.1: 61 of 1,600,550 alleles (0.0038%); highest among the groups gnomAD compares: Non-Finnish European, 0.005%; no homozygotes.

Submissions (2):

GeneDx
Classification: Uncertain significance. Last evaluated: 2024-11-12. Review status: criteria provided, single submitter. Criteria: GeneDx Variant Classification Process June 2021. Collection method: clinical testing. Allele origin: germline. Affected: yes.
Comment: Not observed at significant frequency in large population cohorts (gnomAD); In silico analysis indicates that this missense variant does not alter protein structure/function; Has not been previously published as pathogenic or benign to our knowledge

Labcorp Genetics (formerly Invitae), Labcorp
Classification: Uncertain significance for Intellectual disability, autosomal recessive 53. Last evaluated: 2022-03-17. Review status: criteria provided, single submitter. Criteria: Invitae Variant Classification Sherloc (09022015). Collection method: clinical testing. Allele origin: germline.
Comment: This sequence change replaces glutamic acid, which is acidic and polar, with aspartic acid, which is acidic and polar, at codon 43 of the PIGG protein (p.Glu43Asp). The frequency data for this variant in the population databases is considered unreliable, as metrics indicate poor data quality at this position in the gnomAD database. This variant has not been reported in the literature in individuals affected with PIGG-related conditions. Algorithms developed to predict the effect of missense changes on protein structure and function (SIFT, PolyPhen-2, Align-GVGD) all suggest that this variant is likely to be tolerated. In summary, the available evidence is currently insufficient to determine the role of this variant in disease. Therefore, it has been classified as a Variant of Uncertain Significance.